The following is an entry in ClinVar:

ClinVar aggregate classification (germline): Uncertain significance. Review status: criteria provided, multiple submitters, no conflicts (2 of 4 stars). 2 submissions from 2 submitters: Uncertain significance (2). Last evaluated 2026-03-11.

gnomAD v4.1: 1 of 1,610,256 alleles (0.000062%); no homozygotes.

Submissions (2):

GeneDx
Classification: Uncertain significance. Last evaluated: 2026-03-11. Review status: criteria provided, single submitter. Criteria: GeneDx Variant Classification Process June 2021. Collection method: clinical testing. Allele origin: germline.
Comment: Not observed at significant frequency in large population cohorts (gnomAD); In silico analysis suggests that this variant does not alter splicing; Has not been previously published as pathogenic or benign to our knowledge

Greenwood Genetic Center Diagnostic Laboratories, Greenwood Genetic Center
Classification: Uncertain significance. Last evaluated: 2022-04-11. Review status: criteria provided, single submitter. Criteria: ACMG Guidelines, 2015. Collection method: clinical testing. Allele origin: germline. Affected: yes.
Comment: PM2

NM_001170629.2(CHD8):c.6240A>G (p.Pro2080=)

Gene: CHD8 (chromodomain helicase DNA binding protein 8; minus strand). Cytogenetic location: 14q11.2.
Variant type: single nucleotide variant.
Coding change: c.6240A>G on transcript NM_001170629.2 (MANE Select); coding-DNA position 6240, A replaced by G.
Protein change: p.Pro2080=; no amino-acid change (proline 2080 retained).
Molecular consequence: synonymous variant.
Genome position (GRCh38, 1-based): chr14:21,393,555, T>C on the plus strand (A>G on the coding strand, the complement: CHD8 is on the minus strand). VCF-style: chr14-21393555-T-C. GRCh37 (hg19) VCF-style: chr14-21861714-T-C.
Other names: c.5403A>G, p.Pro1801= (NM_020920.4); c.6240A>G (NM_001170629.1).
Identifiers: ClinVar variation 1703105 (VCV001703105.4), dbSNP rs2501855642, ClinGen allele CA484994843.